The following is an entry in ClinVar:

ClinVar aggregate classification (germline): Benign/Likely benign. Review status: criteria provided, multiple submitters, no conflicts (2 of 4 stars). 4 submissions from 4 submitters: Benign (1); Likely benign (2). 1 of the submissions does not count toward it. Last evaluated 2026-01-01.

Conditions:
Occult macular dystrophy (OCMD). Also called: OMD; OCCULT MACULAR DYSTROPHY, SUSCEPTIBILITY TO. Identifiers: Orphanet 247834, MedGen C3150833, MONDO:0013316, OMIM 613587, HP:0030636.
RP1L1-related disorder. Also called: RP1L1-related condition.

Allele frequency attached by ClinVar (database versions not stated): gnomAD exomes 0.00008 and 0.00012; TOPMed 0.00008; gnomAD 0.00010 and 0.00011; ExAC 0.00011.
gnomAD v4.1: 126 of 1,608,502 alleles (0.0078%); highest among the groups gnomAD compares: Non-Finnish European, 0.0096%; no homozygotes.

Submissions (4):

CeGaT Center for Human Genetics Tuebingen
Classification: Likely benign. Last evaluated: 2026-01-01. Review status: criteria provided, single submitter. Criteria: CeGaT Center For Human Genetics Tuebingen Variant Classification Criteria Version 2. Collection method: clinical testing. Allele origin: germline. Affected: yes. Observed: 1 variant allele.
Comment: RP1L1: BP4, BP7

Blueprint Genetics
Classification: Likely benign. Last evaluated: 2024-11-14. Review status: criteria provided, single submitter. Criteria: ACMG Guidelines, 2015. Collection method: clinical testing. Allele origin: germline.

Illumina Laboratory Services, Illumina
Classification: Benign for Occult macular dystrophy. Last evaluated: 2018-01-12. Review status: criteria provided, single submitter. Criteria: ICSL Variant Classification Criteria 13 December 2019. Collection method: clinical testing. Allele origin: germline.
Comment: This variant was observed in the ICSL laboratory as part of a predisposition screen in an ostensibly healthy population. It had not been previously curated by ICSL or reported in the Human Gene Mutation Database (HGMD: prior to June 1st, 2018), and was therefore a candidate for classification through an automated scoring system. Utilizing variant allele frequency, disease prevalence and penetrance estimates, and inheritance mode, an automated score was calculated to assess if this variant is too frequent to cause the disease. Based on the score and internal cut-off values, a variant classified as benign is not then subjected to further curation. The score for this variant resulted in a classification of benign for this disease.

PreventionGenetics, part of Exact Sciences
Classification: Likely benign for RP1L1-related condition. Last evaluated: 2019-05-01. Review status: no assertion criteria provided. Collection method: clinical testing. Allele origin: germline. Not counted in ClinVar's aggregate classification.
Comment: This variant is classified as likely benign based on ACMG/AMP sequence variant interpretation guidelines (Richards et al. 2015 PMID: 25741868, with internal and published modifications).

NM_178857.6(RP1L1):c.3231C>G (p.Gly1077=)

Gene: RP1L1 (RP1 like 1). Cytogenetic location: 8p23.1.
Variant type: single nucleotide variant.
Coding change: c.3231C>G on transcript NM_178857.6 (MANE Select); coding-DNA position 3231, C replaced by G.
Protein change: p.Gly1077=; no amino-acid change (glycine 1077 retained).
Molecular consequence: synonymous variant.
Genome position (GRCh38, 1-based): chr8:10,610,867, G>C on the plus strand (C>G on the coding strand, the complement: RP1L1 is on the minus strand). VCF-style: chr8-10610867-G-C. GRCh37 (hg19) VCF-style: chr8-10468377-G-C.
Identifiers: ClinVar variation 361318 (VCV000361318.12), dbSNP rs779905669, ClinGen allele CA4624561.
Genomic context (GRCh38, chr8:10,610,867, plus strand): 5'-GGGCCGGCCCTGCTTGGAGCCCATCAGCGCCCTCATGATCTGCGTGGAGGCAGACACCCG[G>C]CCAGGAAGTGCCCGCAGGCTCACCCTGCAGCCTGCTGGGGCCTCTCTGTCTGCTCCGGCC-3'
Protein context (NP_849188.4, residues 1067-1087): GCRVSLRALP[Gly1077=]RVSASTQIMR